The following is an entry in ClinVar:

ClinVar aggregate classification (germline): Likely benign. Review status: criteria provided, single submitter (1 of 4 stars). 2 submissions from 2 submitters: Likely benign (1). 1 of the submissions does not count toward it. Last evaluated 2025-10-26.

Conditions:
MYO5B-related disorder. Also called: MYO5B-related condition.

gnomAD v4.1: 17 of 1,613,468 alleles (0.0011%); highest among the groups gnomAD compares: Non-Finnish European, 0.0014%; no homozygotes.

Submissions (2):

Labcorp Genetics (formerly Invitae), Labcorp
Classification: Likely benign. Last evaluated: 2025-10-26. Review status: criteria provided, single submitter. Criteria: Invitae Variant Classification Sherloc (09022015). Collection method: clinical testing. Allele origin: germline.

PreventionGenetics, part of Exact Sciences
Classification: Likely benign for MYO5B-related condition. Last evaluated: 2024-05-15. Review status: no assertion criteria provided. Collection method: clinical testing. Allele origin: germline. Not counted in ClinVar's aggregate classification.
Comment: This variant is classified as likely benign based on ACMG/AMP sequence variant interpretation guidelines (Richards et al. 2015 PMID: 25741868, with internal and published modifications).

NM_001080467.3(MYO5B):c.45C>T (p.Ile15=)

Gene: MYO5B (myosin VB; minus strand). Cytogenetic location: 18q21.1.
Variant type: single nucleotide variant.
Coding change: c.45C>T on transcript NM_001080467.3 (MANE Select); coding-DNA position 45, C replaced by T.
Protein change: p.Ile15=; no amino-acid change (isoleucine 15 retained).
Molecular consequence: synonymous variant.
Genome position (GRCh38, 1-based): chr18:50,055,361, G>A on the plus strand (C>T on the coding strand, the complement: MYO5B is on the minus strand). VCF-style: chr18-50055361-G-A. GRCh37 (hg19) VCF-style: chr18-47581731-G-A.
Identifiers: ClinVar variation 3348732 (VCV003348732.2).